The following is an entry in ClinVar:

ClinVar aggregate classification (germline): Uncertain significance (1 of 4 stars; one submission).

Conditions:
Mowat-Wilson syndrome (MOWS). Also called: Classic Mowat-Wilson Syndrome. Identifiers: Orphanet 2152, MedGen C1856113, MONDO:0009341, OMIM 235730.

Submission:

Labcorp Genetics (formerly Invitae), Labcorp
Classification: Uncertain significance for Mowat-Wilson syndrome. Last evaluated: 2024-11-04. Review status: criteria provided, single submitter. Criteria: Invitae Variant Classification Sherloc (09022015). Collection method: clinical testing. Allele origin: germline.
Comment: This sequence change replaces aspartic acid, which is acidic and polar, with histidine, which is basic and polar, at codon 205 of the ZEB2 protein (p.Asp205His). This variant is not present in population databases (gnomAD no frequency). This variant has not been reported in the literature in individuals affected with ZEB2-related conditions. Invitae Evidence Modeling of protein sequence and biophysical properties (such as structural, functional, and spatial information, amino acid conservation, physicochemical variation, residue mobility, and thermodynamic stability) indicates that this missense variant is expected to disrupt ZEB2 protein function with a positive predictive value of 80%. In summary, the available evidence is currently insufficient to determine the role of this variant in disease. Therefore, it has been classified as a Variant of Uncertain Significance.

NM_014795.4(ZEB2):c.613G>C (p.Asp205His)

Gene: ZEB2 (zinc finger E-box binding homeobox 2; minus strand). Cytogenetic location: 2q22.3.
Variant type: single nucleotide variant.
Coding change: c.613G>C on transcript NM_014795.4 (MANE Select); coding-DNA position 613, G replaced by C.
Protein change: p.Asp205His; replaces aspartic acid 205 with histidine.
Molecular consequence: missense variant.
Genome position (GRCh38, 1-based): chr2:144,404,110, C>G on the plus strand (G>C on the coding strand, the complement: ZEB2 is on the minus strand). VCF-style: chr2-144404110-C-G. GRCh37 (hg19) VCF-style: chr2-145161677-C-G.
Other names: c.541G>C, p.Asp181His (NM_001171653.2); short protein forms D181H, D205H.
Identifiers: ClinVar variation 3666520 (VCV003666520.2).